The following is an entry in ClinVar:

ClinVar aggregate classification (germline): Uncertain significance. Review status: criteria provided, multiple submitters, no conflicts (2 of 4 stars). 2 submissions from 2 submitters: Uncertain significance (2). Last evaluated 2024-09-01.

Conditions:
Inborn genetic diseases. Identifiers: MedGen C0950123, MeSH D030342.

Allele frequency attached by ClinVar (database versions not stated): gnomAD exomes 0.00001 and 0.00006; ExAC 0.00002; gnomAD 0.00003 and 0.00004; TOPMed 0.00005; 1000 Genomes Project 30x 0.00031; 1000 Genomes Project 0.00040.

Submissions (2):

Ambry Genetics
Classification: Uncertain significance for Inborn genetic diseases. Last evaluated: 2024-09-01. Review status: criteria provided, single submitter. Criteria: Ambry Variant Classification Scheme 2023. Collection method: clinical testing. Allele origin: germline.

Labcorp Genetics (formerly Invitae), Labcorp
Classification: Uncertain significance. Last evaluated: 2022-09-06. Review status: criteria provided, single submitter. Criteria: Invitae Variant Classification Sherloc (09022015). Collection method: clinical testing. Allele origin: germline.
Comment: This sequence change replaces tyrosine, which is neutral and polar, with cysteine, which is neutral and slightly polar, at codon 351 of the SEC24D protein (p.Tyr351Cys). This variant is present in population databases (rs202241579, gnomAD 0.08%). This variant has not been reported in the literature in individuals affected with SEC24D-related conditions. ClinVar contains an entry for this variant (Variation ID: 1513957). Algorithms developed to predict the effect of missense changes on protein structure and function are either unavailable or do not agree on the potential impact of this missense change (SIFT: "Not Available"; PolyPhen-2: "Probably Damaging"; Align-GVGD: "Not Available"). In summary, the available evidence is currently insufficient to determine the role of this variant in disease. Therefore, it has been classified as a Variant of Uncertain Significance.

NM_014822.4(SEC24D):c.1052A>G (p.Tyr351Cys)

Gene: SEC24D (SEC24 homolog D, COPII coat complex component; minus strand). Cytogenetic location: 4q26.
Variant type: single nucleotide variant.
Coding change: c.1052A>G on transcript NM_014822.4 (MANE Select); coding-DNA position 1052, A replaced by G.
Protein change: p.Tyr351Cys; replaces tyrosine 351 with cysteine.
Molecular consequence: missense variant.
Genome position (GRCh38, 1-based): chr4:118,768,301, T>C on the plus strand (A>G on the coding strand, the complement: SEC24D is on the minus strand). VCF-style: chr4-118768301-T-C. GRCh37 (hg19) VCF-style: chr4-119689456-T-C.
Other names: c.1055A>G, p.Tyr352Cys (NM_001318066.2); c.1052A>G (NM_014822.2); short protein forms Y351C, Y352C.
Identifiers: ClinVar variation 1513957 (VCV001513957.6), dbSNP rs202241579, ClinGen allele CA3057354.